The following is an entry in ClinVar:

NM_022835.3(PLEKHG2):c.1294C>T (p.His432Tyr)

Gene: PLEKHG2 (pleckstrin homology and RhoGEF domain containing G2; plus strand). Cytogenetic location: 19q13.2.
Variant type: single nucleotide variant.
Coding change: c.1294C>T on transcript NM_022835.3 (MANE Select); coding-DNA position 1294, C replaced by T.
Protein change: p.His432Tyr; replaces histidine 432 with tyrosine.
Molecular consequence: missense variant.
Genome position (GRCh38, 1-based): chr19:39,420,656, C>T. VCF-style: chr19-39420656-C-T. GRCh37 (hg19) VCF-style: chr19-39911296-C-T.
Other names: c.1117C>T, p.His373Tyr (NM_001351693.2); c.1294C>T, p.His432Tyr (NM_001351694.2); short protein forms H432Y, H373Y.
Identifiers: ClinVar variation 1422222 (VCV001422222.6), dbSNP rs550415357, ClinGen allele CA9429440.

ClinVar aggregate classification (germline): Uncertain significance (1 of 4 stars; one submission).

Allele frequency attached by ClinVar (database versions not stated): gnomAD exomes 0.00002 and 0.00006; gnomAD 0.00004; TOPMed 0.00005; ExAC 0.00006; 1000 Genomes Project 30x 0.00016; 1000 Genomes Project 0.00020.
gnomAD v4.1: 44 of 1,614,170 alleles (0.0027%); highest among the groups gnomAD compares: Admixed American, 0.027%; no homozygotes.

Submission:

Labcorp Genetics (formerly Invitae), Labcorp
Classification: Uncertain significance. Last evaluated: 2021-12-30. Review status: criteria provided, single submitter. Criteria: Invitae Variant Classification Sherloc (09022015). Collection method: clinical testing. Allele origin: germline.
Comment: This variant is present in population databases (rs550415357, gnomAD 0.02%). This variant has not been reported in the literature in individuals affected with PLEKHG2-related conditions. This sequence change replaces histidine, which is basic and polar, with tyrosine, which is neutral and polar, at codon 432 of the PLEKHG2 protein (p.His432Tyr). Algorithms developed to predict the effect of missense changes on protein structure and function are either unavailable or do not agree on the potential impact of this missense change (SIFT: "Deleterious"; PolyPhen-2: "Benign"; Align-GVGD: "Class C65"). In summary, the available evidence is currently insufficient to determine the role of this variant in disease. Therefore, it has been classified as a Variant of Uncertain Significance.